The following is an entry in ClinVar:

ClinVar aggregate classification (germline): Uncertain significance (1 of 4 stars; one submission).

Submission:

Labcorp Genetics (formerly Invitae), Labcorp
Classification: Uncertain significance. Last evaluated: 2024-08-31. Review status: criteria provided, single submitter. Criteria: Invitae Variant Classification Sherloc (09022015). Collection method: clinical testing. Allele origin: germline.
Comment: This sequence change replaces isoleucine, which is neutral and non-polar, with lysine, which is basic and polar, at codon 123 of the GNAT1 protein (p.Ile123Lys). Information on the frequency of this variant in the gnomAD database is not available, as this variant may be reported differently in the database. This variant has not been reported in the literature in individuals affected with GNAT1-related conditions. An algorithm developed to predict the effect of missense changes on protein structure and function (PolyPhen-2) suggests that this variant is likely to be disruptive. In summary, the available evidence is currently insufficient to determine the role of this variant in disease. Therefore, it has been classified as a Variant of Uncertain Significance.

NM_144499.3(GNAT1):c.368_369delinsAA (p.Ile123Lys)

Gene: GNAT1 (G protein subunit alpha transducin 1; plus strand). Cytogenetic location: 3p21.31.
Variant type: Indel.
Coding change: c.368_369delinsAA on transcript NM_144499.3 (MANE Select); coding-DNA positions 368 to 369, TC replaced by AA.
Protein change: p.Ile123Lys; replaces isoleucine 123 with lysine.
Molecular consequence: missense variant.
Genome position (GRCh38, 1-based): chr3:50,193,582-50,193,583, TC replaced by AA. VCF-style: chr3-50193582-TC-AA. GRCh37 (hg19) VCF-style: chr3-50231015-TC-AA.
Other names: c.368_369delinsAA, p.Ile123Lys (NM_000172.4); short protein forms I123K.
Identifiers: ClinVar variation 3662761 (VCV003662761.2).